The following is an entry in ClinVar:

ClinVar aggregate classification (germline): Likely benign (1 of 4 stars; one submission).

Conditions:
TUBA4A-related disorder. Also called: TUBA4A-related condition.

gnomAD v4.1: 3 of 1,614,184 alleles (0.00019%); highest among the groups gnomAD compares: African/African-American, 0.004%; no homozygotes.

Submission:

PreventionGenetics, part of Exact Sciences
Classification: Likely benign for TUBA4A-related condition. Last evaluated: 2025-02-13. Review status: criteria provided, single submitter. Criteria: ACMG Guidelines, 2015. Collection method: clinical testing. Allele origin: germline.
Comment: This variant is classified as likely benign based on ACMG/AMP sequence variant interpretation guidelines (Richards et al. 2015 PMID: 25741868, with internal and published modifications).

NM_006000.3(TUBA4A):c.879T>C (p.Asn293=)

Gene: TUBA4A (tubulin alpha 4a; minus strand). Cytogenetic location: 2q35.
Variant type: single nucleotide variant.
Coding change: c.879T>C on transcript NM_006000.3 (MANE Select); coding-DNA position 879, T replaced by C.
Protein change: p.Asn293=; no amino-acid change (asparagine 293 retained).
Molecular consequence: synonymous variant.
Genome position (GRCh38, 1-based): chr2:219,250,820, A>G on the plus strand (T>C on the coding strand, the complement: TUBA4A is on the minus strand). VCF-style: chr2-219250820-A-G. GRCh37 (hg19) VCF-style: chr2-220115542-A-G.
Other names: c.834T>C, p.Asn278= (NM_001278552.2).
Identifiers: ClinVar variation 4989244 (VCV004989244.1).